The following is an entry in ClinVar:

NM_000051.4(ATM):c.3577-12del

Gene: ATM (ATM serine/threonine kinase; plus strand). Cytogenetic location: 11q22.3.
Variant type: Deletion.
Coding change: c.3577-12del on transcript NM_000051.4 (MANE Select); 12 bases into the intron before coding-DNA position 3577, one base deleted (T; older notation c.3577-12delT).
Molecular consequence: intron variant.
Genome position (GRCh38, 1-based): chr11:108,282,698, T deleted; the last of 5 consecutive T bases (chr11:108,282,694-108,282,698); deleting any one gives the same sequence. VCF-style (leftmost placement, unchanged base first): chr11-108282693-CT-C. GRCh37 (hg19) VCF-style: chr11-108153420-CT-C.
Other names: c.3577-16delT (NM_000051.3); c.3577-12delT (NM_000051.3); c.3577-12del (NM_001351834.2, NM_000051.3).
Identifiers: ClinVar variation 181859 (VCV000181859.13), dbSNP rs730881288, ClinGen allele CA297999.

ClinVar aggregate classification (germline): Benign/Likely benign. Review status: criteria provided, multiple submitters, no conflicts (2 of 4 stars). 6 submissions from 6 submitters: Benign (3); Likely benign (3). Last evaluated 2025-12-13.

Conditions:
Hereditary cancer-predisposing syndrome. Also called: Tumor predisposition; Neoplastic Syndromes, Hereditary; Hereditary neoplastic syndrome; Hereditary Cancer Syndrome. Identifiers: Orphanet 140162, MedGen C0027672, MeSH D009386, MONDO:0015356.
Ataxia-telangiectasia syndrome (AT). Also called: LOUIS-BAR SYNDROME; Ataxia-telangiectasia, complementation group D; AT, COMPLEMENTATION GROUP C; ATAXIA-TELANGIECTASIA, COMPLEMENTATION GROUP A; ATAXIA-TELANGIECTASIA, FRESNO VARIANT; Ataxia-telangiectasia. Identifiers: Orphanet 100, MedGen C0004135, MONDO:0008840, OMIM 208900.
Familial cancer of breast. Also called: BREAST CANCER, FAMILIAL; hereditary breast carcinoma; Hereditary breast cancer. Identifiers: Orphanet 227535, MedGen C0346153, MONDO:0016419, OMIM 114480. Disease mechanism: loss of function.

Submissions (6):

Labcorp Genetics (formerly Invitae), Labcorp
Classification: Benign for Ataxia-telangiectasia syndrome. Last evaluated: 2025-12-13. Review status: criteria provided, single submitter. Criteria: Invitae Variant Classification Sherloc (09022015). Collection method: clinical testing. Allele origin: germline.

Department of Pathology and Laboratory Medicine, Sinai Health System
Classification: Likely benign for Familial cancer of breast; Ataxia-telangiectasia syndrome. Last evaluated: 2024-10-15. Review status: criteria provided, single submitter. Criteria: ACMG Guidelines, 2015. Collection method: clinical testing. Allele origin: germline.

Myriad Genetics, Inc.
Classification: Benign for Familial cancer of breast. Last evaluated: 2024-05-15. Review status: criteria provided, single submitter. Criteria: Myriad Autosomal Dominant, Autosomal Recessive and X-Linked Classification Criteria (2023). Collection method: clinical testing. Allele origin: unknown.
Comment: This variant is considered benign. This variant is intronic and is not expected to impact mRNA splicing. This variant is strongly associated with less severe personal and family histories of cancer, typical for individuals without pathogenic variants in this gene [PMID: 25085752].

Blueprint Genetics
Classification: Likely benign. Last evaluated: 2024-03-20. Review status: criteria provided, single submitter. Criteria: ACMG Guidelines, 2015. Collection method: clinical testing. Allele origin: germline.

Color Diagnostics, LLC DBA Color Health
Classification: Likely benign for Hereditary cancer-predisposing syndrome. Last evaluated: 2016-04-27. Review status: criteria provided, single submitter. Criteria: ACMG Guidelines, 2015. Collection method: clinical testing. Allele origin: germline.

GeneDx
Classification: Benign for Neoplastic Syndromes, Hereditary. Last evaluated: 2014-04-22. Review status: criteria provided, single submitter. Criteria: GeneDx Variant Classification (06012015). Collection method: clinical testing. Allele origin: germline. Affected: yes.
Comment: The variant is found in BR-OV-HEREDIC,PANC-HEREDIC panel(s).

Literature cited by the submitters: PubMed 25085752 (cited by Myriad Genetics, Inc.).